The following is an entry in ClinVar:

ClinVar aggregate classification (germline): Uncertain significance (1 of 4 stars; one submission).

Conditions:
Aicardi-Goutieres syndrome 2. Identifiers: Orphanet 51, MedGen C3489724, MONDO:0012429, OMIM 610181.

Allele frequency attached by ClinVar (database versions not stated): gnomAD exomes 0.00001; ExAC 0.00004.
gnomAD v4.1: 4 of 1,600,532 alleles (0.00025%); highest among the groups gnomAD compares: Non-Finnish European, 0.00034%; no homozygotes.

Submission:

Labcorp Genetics (formerly Invitae), Labcorp
Classification: Uncertain significance for Aicardi-Goutieres syndrome 2. Last evaluated: 2022-07-26. Review status: criteria provided, single submitter. Criteria: Invitae Variant Classification Sherloc (09022015). Collection method: clinical testing. Allele origin: germline.
Comment: This sequence change replaces phenylalanine, which is neutral and non-polar, with serine, which is neutral and polar, at codon 301 of the RNASEH2B protein (p.Phe301Ser). This variant is present in population databases (rs780504013, gnomAD 0.004%). This variant has not been reported in the literature in individuals affected with RNASEH2B-related conditions. ClinVar contains an entry for this variant (Variation ID: 1411534). Algorithms developed to predict the effect of missense changes on protein structure and function are either unavailable or do not agree on the potential impact of this missense change (SIFT: "Deleterious"; PolyPhen-2: "Probably Damaging"; Align-GVGD: "Class C0"). In summary, the available evidence is currently insufficient to determine the role of this variant in disease. Therefore, it has been classified as a Variant of Uncertain Significance.

NM_024570.4(RNASEH2B):c.902T>C (p.Phe301Ser)

Gene: RNASEH2B (ribonuclease H2 subunit B; plus strand). Cytogenetic location: 13q14.3.
Variant type: single nucleotide variant.
Coding change: c.902T>C on transcript NM_024570.4 (MANE Select); coding-DNA position 902, T replaced by C.
Protein change: p.Phe301Ser; replaces phenylalanine 301 with serine.
Molecular consequence: missense variant. On other transcripts: intron variant (1).
Genome position (GRCh38, 1-based): chr13:50,956,437, T>C. VCF-style: chr13-50956437-T-C. GRCh37 (hg19) VCF-style: chr13-51530573-T-C.
Other names: c.741+6932T>C (NM_001142279.2); short protein forms F301S.
Identifiers: ClinVar variation 1411534 (VCV001411534.3), dbSNP rs780504013, ClinGen allele CA6985747.